The following is an entry in ClinVar:

NM_014918.5(CHSY1):c.57C>T (p.Gly19=)

Genes: CHSY1 (chondroitin sulfate synthase 1; minus strand), LOC130058068 (ATAC-STARR-seq lymphoblastoid silent region 6885; plus strand). Cytogenetic location: 15q26.3.
Variant type: single nucleotide variant.
Coding change: c.57C>T on transcript NM_014918.5 (MANE Select); coding-DNA position 57, C replaced by T.
Protein change: p.Gly19=; no amino-acid change (glycine 19 retained).
Molecular consequence: synonymous variant.
Genome position (GRCh38, 1-based): chr15:101,251,400, G>A on the plus strand (C>T on the coding strand, the complement: CHSY1 is on the minus strand). VCF-style: chr15-101251400-G-A. GRCh37 (hg19) VCF-style: chr15-101791605-G-A.
Identifiers: ClinVar variation 585675 (VCV000585675.14), dbSNP rs7175303, ClinGen allele CA7762816.

ClinVar aggregate classification (germline): Benign. Review status: criteria provided, multiple submitters, no conflicts (2 of 4 stars). 5 submissions from 5 submitters: Benign (5). Last evaluated 2026-02-01.

Conditions:
Temtamy preaxial brachydactyly syndrome (TPBS). Identifiers: Orphanet 363417, MedGen C1854466, MONDO:0011533, OMIM 605282.

Allele frequency attached by ClinVar (database versions not stated): gnomAD exomes 0.13900; ExAC 0.17518; 1000 Genomes Project 0.21006; 1000 Genomes Project 30x 0.21190; gnomAD 0.22477 and 0.23372; TOPMed 0.23809.
gnomAD v4.1: 185,764 of 1,161,700 alleles (16%); highest among the groups gnomAD compares: African/African-American, 43%; 17,740 homozygotes.

Submissions (5):

Labcorp Genetics (formerly Invitae), Labcorp
Classification: Benign for Temtamy preaxial brachydactyly syndrome. Last evaluated: 2026-02-01. Review status: criteria provided, single submitter. Criteria: Invitae Variant Classification Sherloc (09022015). Collection method: clinical testing. Allele origin: germline.

Blueprint Genetics
Classification: Benign. Last evaluated: 2024-11-27. Review status: criteria provided, single submitter. Criteria: ACMG Guidelines, 2015. Collection method: clinical testing. Allele origin: germline.

Athena Diagnostics
Classification: Benign. Last evaluated: 2018-08-10. Review status: criteria provided, single submitter. Criteria: Athena Diagnostics Criteria. Collection method: clinical testing. Allele origin: germline.

GeneDx
Classification: Benign. Last evaluated: 2018-06-14. Review status: criteria provided, single submitter. Criteria: GeneDx Variant Classification (06012015). Collection method: clinical testing. Allele origin: germline. Affected: yes.
Comment: This variant is considered likely benign or benign based on one or more of the following criteria: it is a conservative change, it occurs at a poorly conserved position in the protein, it is predicted to be benign by multiple in silico algorithms, and/or has population frequency not consistent with disease.

Breakthrough Genomics
Classification: Benign. Review status: criteria provided, single submitter. Criteria: ACMG Guidelines, 2015. Collection method: not provided. Allele origin: germline. Inheritance: Autosomal recessive inheritance. Affected: yes.